The following is an entry in ClinVar:

Conditions:
Breast-ovarian cancer, familial, susceptibility to, 1 (BROVCA1). Also called: BRCA1 Hereditary Breast and Ovarian Cancer; OVARIAN CANCER, SUSCEPTIBILITY TO. Identifiers: Orphanet 145, MedGen C2676676, MONDO:0011450, OMIM 604370. Disease mechanism: loss of function.

Allele frequency attached by ClinVar (database versions not stated): gnomAD exomes below 0.00001.
gnomAD v4.1: 1 of 1,614,182 alleles (0.000062%); highest among the groups gnomAD compares: Non-Finnish European, 0.000085%; no homozygotes.

Submission:

Brotman Baty Institute, University of Washington
No classification provided (evidence only). Condition: Breast-ovarian cancer, familial 1. Review status: no classification provided. Collection method: in vitro. Allele origin: not applicable. Functional consequence: functionally_normal.
ClinVar note: "not provided" was previously submitted as the classification for the variant. However, the classification appeared to be based only on an observation of functional data so it was converted to no classification on 2025-07-30.

NM_007294.4(BRCA1):c.5483G>A (p.Cys1828Tyr)

Gene: BRCA1 (BRCA1 DNA repair associated; minus strand). Cytogenetic location: 17q21.31.
Variant type: single nucleotide variant.
Coding change: c.5483G>A on transcript NM_007294.4 (MANE Select); coding-DNA position 5483, G replaced by A.
Protein change: p.Cys1828Tyr; replaces cysteine 1828 with tyrosine.
Molecular consequence: missense variant. On other transcripts: synonymous variant (17).
Genome position (GRCh38, 1-based): chr17:43,045,787, C>T on the plus strand (G>A on the coding strand, the complement: BRCA1 is on the minus strand). VCF-style: chr17-43045787-C-T. GRCh37 (hg19) VCF-style: chr17-41197804-C-T.
Other names: c.5342G>A, p.Cys1781Tyr (NM_001407726.1, NM_001407727.1, NM_001407728.1 and 12 more transcripts); c.5339G>A, p.Cys1780Tyr (NM_001407732.1, NM_001407733.1, NM_001407734.1 and 18 more transcripts); c.5336G>A, p.Cys1779Tyr (NM_001407838.1, NM_001407839.1, NM_001407841.1 and 12 more transcripts); c.5409G>A, p.Val1803= (NM_001407854.1); c.5406G>A, p.Val1802= (NM_001407858.1, NM_001407859.1, NM_001407860.1); c.5403G>A, p.Val1801= (NM_001407861.1); c.5282G>A, p.Cys1761Tyr (NM_001407862.1); c.5279G>A, p.Cys1760Tyr (NM_001407863.1); and 83 more; short protein forms C1828Y, C1849Y, C1781Y, C724Y, C1532Y, C1757Y, C1759Y, C1760Y.
Identifiers: ClinVar variation 867590 (VCV000867590.3), dbSNP rs2050885374, ClinGen allele CA10590348.
Genomic context (GRCh38, chr17:43,045,787, plus strand): 5'-TGGCACTGGTAGAGTGCTACACTGTCCAACACCCACTCTCGGGTCACCACAGGTGCCTCA[C>T]ACATCTGCCCAATTGCTGGAGACAGAGAACACAAGCAGAGATTAGTGTCAATTCATTCTC-3'
Protein context (NP_009225.1, residues 1818-1838): DNGFHAIGQM[Cys1828Tyr]EAPVVTREWV